The following is an entry in ClinVar:

NM_014365.3(HSPB8):c.385C>T (p.Gln129Ter)

Gene: HSPB8 (heat shock protein family B (small) member 8; plus strand). Cytogenetic location: 12q24.23.
Variant type: single nucleotide variant.
Coding change: c.385C>T on transcript NM_014365.3 (MANE Select); coding-DNA position 385, C replaced by T.
Protein change: p.Gln129Ter; replaces glutamine 129 with a stop codon.
Molecular consequence: nonsense.
Genome position (GRCh38, 1-based): chr12:119,187,042, C>T. VCF-style: chr12-119187042-C-T. GRCh37 (hg19) VCF-style: chr12-119624847-C-T.
Other names: short protein forms Q129*.
Identifiers: ClinVar variation 3707231 (VCV003707231.2).
Genomic context (GRCh38, chr12:119,187,042, plus strand): 5'-AAGGAACATAGATGCTGACACGCCACACTTTTCTTCCTTCCAGGCAAACATGAAGAGAAA[C>T]AGCAAGAAGGTGGCATTGTTTCTAAGAACTTCACAAAGAAAATCCAGTAAGTAACCTGGA-3'

ClinVar aggregate classification (germline): Uncertain significance (1 of 4 stars; one submission).

Conditions:
Charcot-Marie-Tooth disease axonal type 2L. Also called: Charcot-Marie-Tooth Neuropathy Type 2L; CHARCOT-MARIE-TOOTH DISEASE, AXONAL, AUTOSOMAL DOMINANT, TYPE 2L; CHARCOT-MARIE-TOOTH NEUROPATHY, AXONAL, TYPE 2L. Identifiers: Orphanet 99945, MedGen C1837552, MONDO:0012096, OMIM 608673.

gnomAD v4.1: 1 of 1,614,044 alleles (0.000062%); highest among the groups gnomAD compares: Non-Finnish European, 0.000085%; no homozygotes.

Submission:

Labcorp Genetics (formerly Invitae), Labcorp
Classification: Uncertain significance for Charcot-Marie-Tooth disease axonal type 2L. Last evaluated: 2024-11-15. Review status: criteria provided, single submitter. Criteria: Invitae Variant Classification Sherloc (09022015). Collection method: clinical testing. Allele origin: germline.
Comment: This sequence change creates a premature translational stop signal (p.Gln129*) in the HSPB8 gene. It is expected to result in an absent or disrupted protein product. However, the current clinical and genetic evidence is not sufficient to establish whether loss-of-function variants in HSPB8 cause disease. This variant is not present in population databases (gnomAD no frequency). This variant has not been reported in the literature in individuals affected with HSPB8-related conditions. In summary, the available evidence is currently insufficient to determine the role of this variant in disease. Therefore, it has been classified as a Variant of Uncertain Significance.